The following is an entry in ClinVar:

NM_000038.6(APC):c.2469A>G (p.Ser823=)

Gene: APC (APC regulator of Wnt signaling pathway; plus strand). Cytogenetic location: 5q22.2.
Variant type: single nucleotide variant.
Coding change: c.2469A>G on transcript NM_000038.6 (MANE Select); coding-DNA position 2469, A replaced by G.
Protein change: p.Ser823=; no amino-acid change (serine 823 retained).
Molecular consequence: synonymous variant. On other transcripts: non-coding transcript variant (2).
Genome position (GRCh38, 1-based): chr5:112,838,063, A>G. VCF-style: chr5-112838063-A-G. GRCh37 (hg19) VCF-style: chr5-112173760-A-G.
Other names: c.2469A>G, p.Ser823= (NM_001127510.3, NM_001354895.2, NM_001407450.1); c.2415A>G, p.Ser805= (NM_001127511.3); c.2523A>G, p.Ser841= (NM_001354896.2, NM_001407447.1, NM_001407448.1 and 1 more transcripts); c.2499A>G, p.Ser833= (NM_001354897.2); c.2394A>G, p.Ser798= (NM_001354898.2); c.2385A>G, p.Ser795= (NM_001354899.2); c.2346A>G, p.Ser782= (NM_001354900.2); c.2292A>G, p.Ser764= (NM_001354901.2, NM_001407453.1); and 11 more.
Identifiers: ClinVar variation 1791727 (VCV001791727.6), dbSNP rs1765189659, ClinGen allele CA445963520.

ClinVar aggregate classification (germline): Benign/Likely benign. Review status: criteria provided, multiple submitters, no conflicts (2 of 4 stars). 4 submissions from 4 submitters: Benign (1); Likely benign (3). Last evaluated 2025-01-26.

Conditions:
Hereditary cancer-predisposing syndrome. Also called: Hereditary Cancer Syndrome; Hereditary neoplastic syndrome; Tumor predisposition; Neoplastic Syndromes, Hereditary. Identifiers: Orphanet 140162, MedGen C0027672, MeSH D009386, MONDO:0015356.
Familial adenomatous polyposis 1 (FAP1). Also called: FAMILIAL ADENOMATOUS POLYPOSIS 1, ATTENUATED; POLYPOSIS, ADENOMATOUS INTESTINAL. Identifiers: MedGen C2713442, MONDO:0021056, OMIM 175100. Disease mechanism: loss of function.

Submissions (4):

Labcorp Genetics (formerly Invitae), Labcorp
Classification: Likely benign for Familial adenomatous polyposis 1. Last evaluated: 2025-01-26. Review status: criteria provided, single submitter. Criteria: Invitae Variant Classification Sherloc (09022015). Collection method: clinical testing. Allele origin: germline.

Myriad Genetics, Inc.
Classification: Benign for Familial adenomatous polyposis 1. Last evaluated: 2024-03-12. Review status: criteria provided, single submitter. Criteria: Myriad Autosomal Dominant, Autosomal Recessive and X-Linked Classification Criteria (2023). Collection method: clinical testing. Allele origin: unknown.
Comment: This variant is considered benign. This variant is a silent/synonymous amino acid change and it is not expected to impact splicing.

Quest Diagnostics Nichols Institute San Juan Capistrano
Classification: Likely benign. Last evaluated: 2023-02-16. Review status: criteria provided, single submitter. Criteria: Quest Diagnostics criteria. Collection method: clinical testing. Allele origin: unknown.

Ambry Genetics
Classification: Likely benign for Hereditary cancer-predisposing syndrome. Last evaluated: 2022-09-13. Review status: criteria provided, single submitter. Criteria: Ambry Variant Classification Scheme 2023. Collection method: clinical testing. Allele origin: germline.